The following is an entry in ClinVar:

NM_133433.4(NIPBL):c.6109-3T>C

Gene: NIPBL (NIPBL cohesin loading factor; plus strand). Cytogenetic location: 5p13.2.
Variant type: single nucleotide variant.
Coding change: c.6109-3T>C on transcript NM_133433.4 (MANE Select); 3 bases into the intron before coding-DNA position 6109, T replaced by C.
Molecular consequence: intron variant.
Genome position (GRCh38, 1-based): chr5:37,044,344, T>C. VCF-style: chr5-37044344-T-C. GRCh37 (hg19) VCF-style: chr5-37044446-T-C.
Other names: c.6109-3T>C (NM_015384.5).
Identifiers: ClinVar variation 96349 (VCV000096349.65), dbSNP rs145778995, ClinGen allele CA149454.

ClinVar aggregate classification (germline): Benign/Likely benign. Review status: criteria provided, multiple submitters, no conflicts (2 of 4 stars). 15 submissions from 15 submitters: Benign (10); Likely benign (2). 3 of the submissions do not count toward it. Last evaluated 2026-08-01.

Conditions:
Inborn genetic diseases. Identifiers: MedGen C0950123, MeSH D030342.
NIPBL-related disorder. Also called: NIPBL-related condition.
Cornelia de Lange syndrome 1 (CDLS1). Also called: NIPBL-Related Cornelia de Lange Syndrome; TYPUS DEGENERATIVUS AMSTELODAMENSIS; Brachmann de Lange syndrome. Identifiers: Orphanet 199, MedGen C4551851, MONDO:0007387, OMIM 122470.

Allele frequency attached by ClinVar (database versions not stated): 1000 Genomes Project 30x 0.00219; 1000 Genomes Project 0.00260; gnomAD 0.00354 and 0.00363; TOPMed 0.00376; ExAC 0.00398; gnomAD exomes 0.00413 and 0.00568; ESP Exome Variant Server 0.00461.
gnomAD v4.1: 8,794 of 1,613,020 alleles (0.55%); highest among the groups gnomAD compares: Non-Finnish European, 0.63%; 35 homozygotes.

Submissions (15):

CeGaT Center for Human Genetics Tuebingen
Classification: Benign. Last evaluated: 2026-08-01. Review status: criteria provided, single submitter. Criteria: CeGaT Center For Human Genetics Tuebingen Variant Classification Criteria Version 2. Collection method: clinical testing. Allele origin: germline. Affected: yes. Observed: 46 variant alleles.
Comment: NIPBL: BP4, BS1, BS2

Labcorp Genetics (formerly Invitae), Labcorp
Classification: Benign for Cornelia de Lange syndrome 1. Last evaluated: 2026-01-28. Review status: criteria provided, single submitter. Criteria: Invitae Variant Classification Sherloc (09022015). Collection method: clinical testing. Allele origin: germline.

Athena Diagnostics
Classification: Benign. Last evaluated: 2025-02-26. Review status: criteria provided, single submitter. Criteria: Athena Diagnostics Criteria. Collection method: clinical testing. Allele origin: unknown.
Comment: The frequency of this variant in the general population is higher than would generally be expected for pathogenic variants in this gene.

Genome-Nilou Lab
Classification: Benign for Cornelia de Lange syndrome 1. Last evaluated: 2021-07-15. Review status: criteria provided, single submitter. Criteria: ACMG Guidelines, 2015. Collection method: clinical testing. Allele origin: germline. Affected: no.

GeneDx
Classification: Benign. Last evaluated: 2019-02-22. Review status: criteria provided, single submitter. Criteria: GeneDx Variant Classification Process June 2021. Collection method: clinical testing. Allele origin: germline. Affected: yes.
Comment: This variant is associated with the following publications: (PMID: 17661813, 24038889, 24918291, 15318302)

Ambry Genetics
Classification: Benign for Inborn genetic diseases. Last evaluated: 2018-05-01. Review status: criteria provided, single submitter. Criteria: Ambry Variant Classification Scheme 2023. Collection method: clinical testing. Allele origin: germline.

Illumina Laboratory Services, Illumina
Classification: Benign for Cornelia de Lange syndrome 1. Last evaluated: 2018-03-06. Review status: criteria provided, single submitter. Criteria: ICSL Variant Classification Criteria 13 December 2019. Collection method: clinical testing. Allele origin: germline.
Comment: This variant was observed in the ICSL laboratory as part of a predisposition screen in an ostensibly healthy population. It had not been previously curated by ICSL or reported in the Human Gene Mutation Database (HGMD: prior to June 1st, 2018), and was therefore a candidate for classification through an automated scoring system. Utilizing variant allele frequency, disease prevalence and penetrance estimates, and inheritance mode, an automated score was calculated to assess if this variant is too frequent to cause the disease. Based on the score and internal cut-off values, a variant classified as benign is not then subjected to further curation. The score for this variant resulted in a classification of benign for this disease.

Center for Pediatric Genomic Medicine, Children's Mercy Hospital and Clinics
Classification: Likely benign. Last evaluated: 2016-08-30. Review status: criteria provided, single submitter. Criteria: ACMG Guidelines, 2015. Collection method: clinical testing. Allele origin: germline.
ClinVar note: Converted during submission from Likely Benign to Likely benign.

Clinical Genetics DNA and cytogenetics Diagnostics Lab, Erasmus MC, Erasmus Medical Center
Classification: Benign for Cornelia de Lange syndrome 1. Last evaluated: 2016-01-15. Review status: criteria provided, single submitter. Criteria: ACGS Guidelines, 2013. Collection method: clinical testing. Allele origin: germline. Affected: yes. Study: VKGL Data-share Consensus.

Genetic Services Laboratory, University of Chicago
Classification: Benign. Last evaluated: 2013-02-08. Review status: criteria provided, single submitter. Criteria: ACMG Guidelines, 2007. Collection method: clinical testing. Allele origin: germline. Inheritance: Autosomal dominant inheritance.

Eurofins Ntd Llc (ga)
Classification: Benign. Last evaluated: 2012-12-18. Review status: criteria provided, single submitter. Criteria: EGL Classification Definitions 2015. Collection method: clinical testing. Allele origin: germline. Observed: 4 variant alleles, 3 heterozygotes, 1 homozygote.

Breakthrough Genomics
Classification: Likely benign. Review status: criteria provided, single submitter. Criteria: ACMG Guidelines, 2015. Collection method: not provided. Allele origin: germline. Inheritance: Autosomal dominant inheritance. Affected: yes.

PreventionGenetics, part of Exact Sciences
Classification: Benign for NIPBL-related condition. Last evaluated: 2020-04-24. Review status: no assertion criteria provided. Collection method: clinical testing. Allele origin: germline. Not counted in ClinVar's aggregate classification.
Comment: This variant is classified as benign based on ACMG/AMP sequence variant interpretation guidelines (Richards et al. 2015 PMID: 25741868, with internal and published modifications).

Diagnostic Laboratory, Department of Genetics, University Medical Center Groningen
Classification: Likely benign for Cornelia de Lange syndrome 1. Review status: no assertion criteria provided. Collection method: clinical testing. Allele origin: germline. Affected: yes. Study: VKGL Data-share Consensus. Not counted in ClinVar's aggregate classification.

Laboratory of Diagnostic Genome Analysis, Leiden University Medical Center (LUMC)
Classification: Likely benign. Review status: no assertion criteria provided. Collection method: clinical testing. Allele origin: germline. Affected: yes. Study: VKGL Data-share Consensus. Not counted in ClinVar's aggregate classification.

Literature cited by the submitters: PubMed 15318302 (cited by Athena Diagnostics); PubMed 24918291 (cited by Athena Diagnostics); PubMed 17661813 (cited by Athena Diagnostics); PubMed 24038889 (cited by Athena Diagnostics).